The following is an entry in ClinVar:

NM_006565.4(CTCF):c.2000-3C>T

Gene: CTCF (CCCTC-binding factor; plus strand). Cytogenetic location: 16q22.1.
Variant type: single nucleotide variant.
Coding change: c.2000-3C>T on transcript NM_006565.4 (MANE Select); 3 bases into the intron before coding-DNA position 2000, C replaced by T.
Molecular consequence: intron variant.
Genome position (GRCh38, 1-based): chr16:67,637,685, C>T. VCF-style: chr16-67637685-C-T. GRCh37 (hg19) VCF-style: chr16-67671588-C-T.
Other names: c.2000-9C>T (NM_001438969.1, NM_001363916.2); c.1016-3C>T (NM_001191022.2); c.2000-3C>T (NM_001438968.1).
Identifiers: ClinVar variation 382156 (VCV000382156.1), dbSNP rs753317087, ClinGen allele CA8112842.
Genomic context (GRCh38, chr16:67,637,685, plus strand): 5'-AGACCCTTGTGATTCTTGGGGCTTTAATGGACCATTTGTTCTGTCTGTGCTCTTCTTTGC[C>T]AGCAACAGCTATCATTCAGGTTGAAGACCAGAATACAGGTGCAATTGAGAACATTATAGT-3'

ClinVar aggregate classification (germline): Likely benign (1 of 4 stars; one submission).

Allele frequency attached by ClinVar (database versions not stated): gnomAD exomes below 0.00001; ExAC 0.00001; TOPMed 0.00001.
gnomAD v4.1: 1 of 1,609,542 alleles (0.000062%); highest among the groups gnomAD compares: Non-Finnish European, 0.000085%; no homozygotes.

Submission:

GeneDx
Classification: Likely benign. Last evaluated: 2016-01-04. Review status: criteria provided, single submitter. Criteria: GeneDx Variant Classification (06012015). Collection method: clinical testing. Allele origin: germline. Affected: yes.
Comment: This variant is considered likely benign or benign based on one or more of the following criteria: it is a conservative change, it occurs at a poorly conserved position in the protein, it is predicted to be benign by multiple in silico algorithms, and/or has population frequency not consistent with disease.